The following is an entry in ClinVar:

ClinVar aggregate classification (germline): Benign (1 of 4 stars; one submission).

Allele frequency attached by ClinVar (database versions not stated): gnomAD exomes 0.00034; 1000 Genomes Project 0.00140; 1000 Genomes Project 30x 0.00141; gnomAD 0.00304; TOPMed 0.00327.
gnomAD v4.1: 553 of 398,140 alleles (0.14%); highest among the groups gnomAD compares: African/African-American, 1%; 1 homozygote.

Submission:

CeGaT Center for Human Genetics Tuebingen
Classification: Benign. Last evaluated: 2026-06-01. Review status: criteria provided, single submitter. Criteria: CeGaT Center For Human Genetics Tuebingen Variant Classification Criteria Version 2. Collection method: clinical testing. Allele origin: germline. Affected: yes. Observed: 3 variant alleles.
Comment: KCNQ1OT1: BS1, BS2

NM_000218.3(KCNQ1):c.1393+27171A>C

Genes: KCNQ1 (potassium voltage-gated channel subfamily Q member 1; plus strand), KCNQ1OT1 (KCNQ1 opposite strand/antisense transcript 1; minus strand). Cytogenetic location: 11p15.5.
Variant type: single nucleotide variant.
Coding change: c.1393+27171A>C on transcript NM_000218.3 (MANE Select); 27171 bases into the intron after coding-DNA position 1393, A replaced by C.
Molecular consequence: intron variant. On other transcripts: non-coding transcript variant (1).
Genome position (GRCh38, 1-based): chr11:2,616,025, A>C. VCF-style: chr11-2616025-A-C. GRCh37 (hg19) VCF-style: chr11-2637255-A-C.
Other names: c.1123+27171A>C (NM_001406837.1); c.1297+27171A>C (NM_001406836.1); c.853+27171A>C (NM_001406838.1); c.1012+27171A>C (NM_181798.2).
Identifiers: ClinVar variation 3026385 (VCV003026385.22), dbSNP rs567778579, ClinGen allele CA216359824.